The following is an entry in ClinVar:

NM_138691.3(TMC1):c.1405-2A>T

Gene: TMC1 (transmembrane channel like 1; plus strand). Cytogenetic location: 9q21.13.
Variant type: single nucleotide variant.
Coding change: c.1405-2A>T on transcript NM_138691.3 (MANE Select); the canonical splice acceptor site of the intron before coding-DNA position 1405, A replaced by T.
Molecular consequence: splice acceptor variant.
Genome position (GRCh38, 1-based): chr9:72,792,189, A>T. VCF-style: chr9-72792189-A-T. GRCh37 (hg19) VCF-style: chr9-75407105-A-T.
Identifiers: ClinVar variation 2905762 (VCV002905762.4), dbSNP rs1289646352, ClinGen allele CA373506783.

ClinVar aggregate classification (germline): Likely pathogenic. Review status: criteria provided, multiple submitters, no conflicts (2 of 4 stars). 2 submissions from 2 submitters: Likely pathogenic (2). Last evaluated 2025-09-12.

Conditions:
Autosomal recessive nonsyndromic hearing loss 7. Also called: DEAFNESS, AUTOSOMAL RECESSIVE 11. Identifiers: Orphanet 90636, MedGen C1832978, MONDO:0010967, OMIM 600974.
Autosomal dominant nonsyndromic hearing loss 36. Identifiers: Orphanet 90635, MedGen C1847626, MONDO:0011708, OMIM 606705.

Allele frequency attached by ClinVar (database versions not stated): gnomAD 0.00001; TOPMed 0.00002.
gnomAD v4.1: 3 of 1,614,010 alleles (0.00019%); highest among the groups gnomAD compares: African/African-American, 0.004%; no homozygotes.

Submissions (2):

Labcorp Genetics (formerly Invitae), Labcorp
Classification: Likely pathogenic. Last evaluated: 2025-09-12. Review status: criteria provided, single submitter. Criteria: Invitae Variant Classification Sherloc (09022015). Collection method: clinical testing. Allele origin: germline.
Comment: This sequence change affects an acceptor splice site in intron 16 of the TMC1 gene. It is expected to disrupt RNA splicing. Variants that disrupt the donor or acceptor splice site typically lead to a loss of protein function (PMID: 16199547), and loss-of-function variants in TMC1 are known to be pathogenic (PMID: 11850618, 22105175). This variant is present in population databases (no rsID available, gnomAD 0.007%). Disruption of this splice site has been observed in individual(s) with non-syndromic hearing loss (PMID: 37217689). ClinVar contains an entry for this variant (Variation ID: 2905762). Algorithms developed to predict the effect of sequence changes on RNA splicing suggest that this variant may disrupt the consensus splice site. In summary, the currently available evidence indicates that the variant is pathogenic, but additional data are needed to prove that conclusively. Therefore, this variant has been classified as Likely Pathogenic.

Fulgent Genetics
Classification: Likely pathogenic for Autosomal recessive nonsyndromic hearing loss 7; Autosomal dominant nonsyndromic hearing loss 36. Last evaluated: 2024-05-08. Review status: criteria provided, single submitter. Criteria: ACMG Guidelines, 2015. Collection method: clinical testing. Allele origin: germline.

Literature cited by the submitters: PubMed 16199547 (cited by Labcorp Genetics (formerly Invitae), Labcorp); PubMed 11850618 (cited by Labcorp Genetics (formerly Invitae), Labcorp); PubMed 22105175 (cited by Labcorp Genetics (formerly Invitae), Labcorp); PubMed 37217689 (cited by Labcorp Genetics (formerly Invitae), Labcorp).